The following is an entry in ClinVar:

ClinVar aggregate classification (germline): Pathogenic (1 of 4 stars; one submission).

Conditions:
Dyskeratosis congenita. Identifiers: Orphanet 1775, MedGen C0265965, MONDO:0015780.

Submission:

Labcorp Genetics (formerly Invitae), Labcorp
Classification: Pathogenic for Dyskeratosis congenita. Last evaluated: 2023-09-04. Review status: criteria provided, single submitter. Criteria: Invitae Variant Classification Sherloc (09022015). Collection method: clinical testing. Allele origin: germline.
Comment: For these reasons, this variant has been classified as Pathogenic. This variant has not been reported in the literature in individuals affected with CTC1-related conditions. This variant is not present in population databases (gnomAD no frequency). This sequence change creates a premature translational stop signal (p.Gln268*) in the CTC1 gene. It is expected to result in an absent or disrupted protein product. Loss-of-function variants in CTC1 are known to be pathogenic (PMID: 22267198, 22387016).

Literature cited by the submitters: PubMed 22267198; PubMed 22387016.

NM_025099.6(CTC1):c.802C>T (p.Gln268Ter)

Gene: CTC1 (CST telomere replication complex component 1; minus strand). Cytogenetic location: 17p13.1.
Variant type: single nucleotide variant.
Coding change: c.802C>T on transcript NM_025099.6 (MANE Select); coding-DNA position 802, C replaced by T.
Protein change: p.Gln268Ter; replaces glutamine 268 with a stop codon.
Molecular consequence: nonsense. On other transcripts: non-coding transcript variant (1).
Genome position (GRCh38, 1-based): chr17:8,236,333, G>A on the plus strand (C>T on the coding strand, the complement: CTC1 is on the minus strand). VCF-style: chr17-8236333-G-A. GRCh37 (hg19) VCF-style: chr17-8139651-G-A.
Other names: c.802C>T, p.Gln268Ter (NM_001411067.1); short protein forms Q268*.
Identifiers: ClinVar variation 2984120 (VCV002984120.3), dbSNP rs2507933267, ClinGen allele CA397989199.